The following continues an entry in ClinVar:

NM_001048174.2(MUTYH):c.637C>T (p.Arg213Trp)

Gene: MUTYH. ClinVar aggregate classification (germline): Pathogenic/Likely pathogenic. Pathogenic (14); Likely pathogenic (3).

Submissions 9 to 22 of 22:

Quest Diagnostics Nichols Institute San Juan Capistrano
Classification: Pathogenic. Last evaluated: 2023-10-05. Review status: criteria provided, single submitter. Criteria: Quest Diagnostics criteria. Collection method: clinical testing. Allele origin: unknown.
Comment: The MUTYH c.721C>T (p.Arg241Trp) variant has been reported in the published literature in the compound heterozygous or homozygous state in multiple individuals with polyposis and/or colorectal cancer (PMID: 28533537 (2017), 27194394 (2016), 24470512 (2014), 23561487 (2013), 15366000 (2004)). It has also been reported in individuals with prostate cancer (PMID: 32338768 (2020)) and breast cancer (PMIDs: 30564557 (2018) and 33313162 (2020)), as well as in a breast cancer case and control individuals in a large scale breast cancer association study (PMID: 33471991 (2021), see also LOVD). Experimental studies indicate that the variant is damaging to MUTYH protein function (PMIDs: 25820570 (2015) and 15673720 (2005)). The frequency of this variant in the general population, 0.00026 (8/30604 chromosomes (Genome Aggregation Database)), is uninformative in the assessment of its pathogenicity. Analysis of this variant using bioinformatics tools for the prediction of the effect of amino acid changes on protein structure and function yielded predictions that this variant is damaging. Based on the available information, this variant is classified as pathogenic.

Color Diagnostics, LLC DBA Color Health
Classification: Pathogenic for Hereditary cancer-predisposing syndrome. Last evaluated: 2023-09-08. Review status: criteria provided, single submitter. Criteria: ACMG Guidelines, 2015. Collection method: clinical testing. Allele origin: germline.
Comment: This missense variant replaces arginine with tryptophan at codon 241 of the MUTYH protein. This variant is also known as c.637C>T (p.Arg213Trp) based on an alternative transcript (NM_001048174.2). Computational prediction tool suggests that this variant may have deleterious impact on protein structure and function (internally defined REVEL score threshold >=0.7, PMID: 27666373). Functional studies have shown that this variant was deficient in A/8-oxoG binding and glycosylase activities , and failed to complement mutY-deficiency in Escherichia coli (PMID: 15673720, 25820570). This variant has been reported as biallelic with another pathogenic variant in multiple individuals affected with polyposis and/or colorectal cancer (PMID: 15366000, 19394335, 23561487, 24470512, 27194394, 28533537, 34704405). This variant has been identified in 18/281720 chromosomes in the general population by the Genome Aggregation Database (gnomAD). Based on the available evidence, this variant is classified as Pathogenic.

KCCC/NGS Laboratory, Kuwait Cancer Control Center
Classification: Pathogenic for Familial adenomatous polyposis 2. Last evaluated: 2023-07-07. Review status: criteria provided, single submitter. Criteria: ACMG Guidelines, 2015. Collection method: clinical testing. Allele origin: unknown. Affected: yes.
Comment: MUTYH p.Arg241Trp: This sequence change replaces arginine with tryptophan at codon 241 of the MUTYH protein (p.Arg241Trp). The arginine residue is highly conserved and there is a moderate physicochemical difference between arginine and tryptophan. This variant is present in population databases (rs34126013, ExAC 0.04%). This variant has been reported as heterozygous with another pathogenic variant in MUTYH in multiple individuals affected with polyposis and/or colorectal cancer (PMID: 24470512, 14991577, 27194394), and as homozygous in two siblings from a family affected with polyposis (PMID: 23561487). ClinVar contains an entry for this variant (Variation ID: 185274). In addition, in-silico prediction for this alteration shows pathogenic computational verdict based on 12 pathogenic predictions from BayesDel_addAF, DANN, DEOGEN2, EIGEN, FATHMM-MKL, LIST-S2, M-CAP, MVP, MutationAssessor, MutationTaster, REVEL and SIFT vs 1 benign prediction from PrimateAI. Experimental studies suggest that this missense change disrupts MUTYH protein function in vitro and in a bacteria-based functional assay (PMID: 15673720, 25820570). Therefore, this variant has been classified as Likely Pathogenic.

CeGaT Center for Human Genetics Tuebingen
Classification: Pathogenic. Last evaluated: 2023-05-01. Review status: criteria provided, single submitter. Criteria: CeGaT Center For Human Genetics Tuebingen Variant Classification Criteria Version 2. Collection method: clinical testing. Allele origin: germline. Affected: yes. Observed: 4 variant alleles.
Comment: MUTYH: PM3:Strong, PS3, PM2, PP3

GeneDx
Classification: Pathogenic. Last evaluated: 2022-10-24. Review status: criteria provided, single submitter. Criteria: GeneDx Variant Classification Process June 2021. Collection method: clinical testing. Allele origin: germline. Affected: yes.
Comment: Published functional studies demonstrate a damaging effect: deficient in glycosylase activity and partially deficient in base excision repair activity (Bai et al., 2005; Komine et al., 2015); In silico analysis supports that this missense variant has a deleterious effect on protein structure/function; Also known as c.679C>T p.(Arg227Trp); This variant is associated with the following publications: (PMID: 15366000, 15673720, 19506731, 28127763, 30604180, 32923906, 17931073, 25820570, 21171015, 14991577, 27194394, 27799157, 20663686, 23605219, 23507534, 24470512, 28533537, 28152038, 32338768, 33258288, 30787465, 30613976, 23108399, 11801590, 34704405, 23561487)

Mendelics
Classification: Pathogenic for MYH-associated polyposis. Last evaluated: 2018-07-02. Review status: criteria provided, single submitter. Criteria: Mendelics Assertion Criteria 2017. Collection method: clinical testing. Allele origin: unknown.

Illumina Laboratory Services, Illumina
Classification: Likely pathogenic for MYH-Associated Polyposis. Last evaluated: 2016-06-14. Review status: criteria provided, single submitter. Criteria: ICSL Variant Classification 20161018. Collection method: clinical testing. Allele origin: germline.
Comment: The c.721C>T (p.Arg241Trp) variant, also referred to as c.679C>T (p.Arg227Trp), has been reported in five studies in which it is found in a total of six MYH-associated polyposis patients, including two siblings in a homozygous state and four patients in a compound heterozygous state with one of the common pathogenic MUTYH missense variants (Isidro et al. 2004; Fleischmann et al. 2004; Bai et al. 2005; Torrezan et al. 2013; Guarinos et al. 2014). The variant was absent from 354 controls (Fleischmann et al. 2004) but is reported at a frequency of 0.00042 in the South Asian population of the Exome Aggregation Consortium. Functional studies demonstrated that the p.Arg241Trp variant has a severe defect in adenine (A) /7,8-dihydro-8-oxo-guanine binding and therefore in the ability to catalyze adenine excision from A/GO mismatches, one of the main functions of the protein. The p.Arg241Trp variant was also shown to have no detectable glycosylase activity and failed to complement mut Y-deficiency in E. coli. The variant does not affect binding to the hMSH2/hMSH6 complex (Bai et al. 2005; Komine et al. 2015). Based on the collective evidence, the p.Arg241Trp variant is classified as likely pathogenic for MYH-associated polyposis.

Clinical Genetics and Genomics, Karolinska University Hospital
Classification: Likely pathogenic. Last evaluated: 2015-06-16. Review status: criteria provided, single submitter. Criteria: ACMG Guidelines, 2015. Collection method: clinical testing. Allele origin: germline. Affected: yes. Observed: 2 variant alleles.

Juno Genomics, Hangzhou Juno Genomics, Inc
Classification: Likely pathogenic for Familial adenomatous polyposis 2; Gastric cancer. Review status: criteria provided, single submitter. Criteria: ACMG Guidelines, 2015. Collection method: clinical testing. Allele origin: germline.
Comment: Absent from controls (or at extremely low frequency if recessive) in Genome Aggregation Database.;Well-established in vitro or in vivo functional studies supportive of a damaging effect on the gene or gene product.;For recessive disorders, detected in trans with a pathogenic variant.;Patient's phenotype or family history is highly specific for a disease with a single genetic etiology.

Counsyl
Classification: Likely pathogenic for Familial adenomatous polyposis 2. Last evaluated: 2017-01-04. Review status: no assertion criteria provided. Collection method: clinical testing. Allele origin: unknown. Not counted in ClinVar's aggregate classification.

Clinical Genetics, Academic Medical Center
Classification: Pathogenic. Review status: no assertion criteria provided. Collection method: clinical testing. Allele origin: germline. Affected: yes. Study: VKGL Data-share Consensus. Not counted in ClinVar's aggregate classification.

Department of Pathology and Laboratory Medicine, Sinai Health System
Classification: Pathogenic. Review status: no assertion criteria provided. Collection method: clinical testing. Allele origin: unknown. Affected: yes. Study: The Canadian Open Genetics Repository (COGR). Not counted in ClinVar's aggregate classification.
Comment: The MUTYH p.Arg241Trp variant was identified in 2 of 822 proband chromosomes from individuals with colorectal adenomas (Isidro 2004, Fleischmann 2004). In both cases the variant occurred as a biallelic mutation in combination with the pathogenic MUTYH p.Gly382Asp mutation. The p.Arg241Trp variant was also identified in dbSNP (ID: rs34126013), HGMD, UMD (4X as a causal variant), and the â€šÃ„ÃºInSiGHT Colon Cancer Databaseâ€šÃ„Ã¹. The p.Arg241 residue is conserved across mammals and more distantly related organisms and 5/5 computational analyses (PolyPhen-2, SIFT, AlignGVGD, BLOSUM, MutationTaster) suggest that the p.Arg241Trp variant may impact the protein. In addition, one functional study found the variant to be severely defective in A/8-oxoG binding and glycosylase activities, and it failed to complement MutY-deficiency in E.coli (Bai 2005). In summary, based on the above information, this variant meets our laboratoryâ€šÃ„Ã´s criteria to be classified as pathogenic.

Joint Genome Diagnostic Labs from Nijmegen and Maastricht, Radboudumc and MUMC+
Classification: Pathogenic. Review status: no assertion criteria provided. Collection method: clinical testing. Allele origin: germline. Affected: yes. Study: VKGL Data-share Consensus. Not counted in ClinVar's aggregate classification.

Laboratory of Diagnostic Genome Analysis, Leiden University Medical Center (LUMC)
Classification: Pathogenic. Review status: no assertion criteria provided. Collection method: clinical testing. Allele origin: germline. Affected: yes. Study: VKGL Data-share Consensus. Not counted in ClinVar's aggregate classification.

Literature cited by the submitters: PubMed 15673720 (cited by 8 submitters); PubMed 23561487 (cited by 8 submitters); PubMed 14991577 (cited by 7 submitters); PubMed 15366000 (cited by 7 submitters); PubMed 24470512 (cited by 6 submitters); PubMed 27194394 (cited by 5 submitters); PubMed 25820570 (cited by 6 submitters); PubMed 19732775 (cited by Labcorp Genetics (formerly Invitae), Labcorp); PubMed 17931073 (cited by Ambry Genetics and Illumina Laboratory Services, Illumina); PubMed 30564557 (cited by Ambry Genetics and Quest Diagnostics Nichols Institute San Juan Capistrano); PubMed 32338768 (cited by Ambry Genetics and Quest Diagnostics Nichols Institute San Juan Capistrano); PubMed 33313162 (cited by Ambry Genetics and Quest Diagnostics Nichols Institute San Juan Capistrano); PubMed 28533537 (cited by 3 submitters); PubMed 33471991 (cited by Quest Diagnostics Nichols Institute San Juan Capistrano); PubMed 19394335 (cited by Color Diagnostics, LLC DBA Color Health); PubMed 34704405 (cited by Color Diagnostics, LLC DBA Color Health); PubMed 17161978 (cited by Illumina Laboratory Services, Illumina).